The following is an entry in ClinVar:

NM_004850.5(ROCK2):c.2378C>T (p.Thr793Ile)

Gene: ROCK2 (Rho associated coiled-coil containing protein kinase 2; minus strand). Cytogenetic location: 2p25.1.
Variant type: single nucleotide variant.
Coding change: c.2378C>T on transcript NM_004850.5 (MANE Select); coding-DNA position 2378, C replaced by T.
Protein change: p.Thr793Ile; replaces threonine 793 with isoleucine.
Molecular consequence: missense variant.
Genome position (GRCh38, 1-based): chr2:11,207,897, G>A on the plus strand (C>T on the coding strand, the complement: ROCK2 is on the minus strand). VCF-style: chr2-11207897-G-A. GRCh37 (hg19) VCF-style: chr2-11348023-G-A.
Other names: c.2120C>T, p.Thr707Ile (NM_001321643.2); short protein forms T707I, T793I.
Identifiers: ClinVar variation 3029203 (VCV003029203.2), dbSNP rs368029536, ClinGen allele CA1530080.

ClinVar aggregate classification (germline): Uncertain significance (0 of 4 stars; one submission).

Conditions:
ROCK2-related disorder. Also called: ROCK2-related condition.

Allele frequency attached by ClinVar (database versions not stated): ExAC 0.00001; gnomAD 0.00002; ESP Exome Variant Server 0.00008.
gnomAD v4.1: 33 of 1,578,264 alleles (0.0021%); highest among the groups gnomAD compares: Non-Finnish European, 0.0024%; no homozygotes.

Submission:

PreventionGenetics, part of Exact Sciences
Classification: Uncertain significance for ROCK2-related condition. Last evaluated: 2024-02-12. Review status: no assertion criteria provided. Collection method: clinical testing. Allele origin: germline.
Comment: The ROCK2 c.2378C>T variant is predicted to result in the amino acid substitution p.Thr793Ile. To our knowledge, this variant has not been reported in the literature. This variant is reported in 0.0034% of alleles in individuals of Latino descent in gnomAD. At this time, the clinical significance of this variant is uncertain due to the absence of conclusive functional and genetic evidence.